The following is an entry in ClinVar:

NM_000038.6(APC):c.3137del (p.Asn1046fs)

Gene: APC (APC regulator of Wnt signaling pathway; plus strand). Cytogenetic location: 5q22.2.
Variant type: Deletion.
Coding change: c.3137del on transcript NM_000038.6 (MANE Select); coding-DNA position 3137, one base deleted (A; older notation c.3137delA).
Protein change: p.Asn1046fs; shifts the reading frame from asparagine 1046.
Molecular consequence: frameshift variant.
Genome position (GRCh38, 1-based): chr5:112,838,731, A deleted; the last of 2 consecutive A bases (chr5:112,838,730-112,838,731); deleting either gives the same sequence. VCF-style (leftmost placement, unchanged base first): chr5-112838729-GA-G. GRCh37 (hg19) VCF-style: chr5-112174426-GA-G.
Other names: c.3137del, p.Asn1046fs (NM_001127510.3, NM_001354895.2); c.3083del, p.Asn1028fs (NM_001127511.3); c.3191del, p.Asn1064fs (NM_001354896.2); c.3167del, p.Asn1056fs (NM_001354897.2); c.3062del, p.Asn1021fs (NM_001354898.2); c.3053del, p.Asn1018fs (NM_001354899.2); c.3014del, p.Asn1005fs (NM_001354900.2); c.2960del, p.Asn987fs (NM_001354901.2); and 5 more; short protein forms N1021fs, N1056fs, N987fs, N1018fs, N1028fs, N1064fs, N886fs, N1005fs.
Identifiers: ClinVar variation 661528 (VCV000661528.10), dbSNP rs1580631422, ClinGen allele CA915943479.

ClinVar aggregate classification (germline): Pathogenic (1 of 4 stars; one submission).

Conditions:
Familial adenomatous polyposis 1 (FAP1). Also called: FAMILIAL ADENOMATOUS POLYPOSIS 1, ATTENUATED; POLYPOSIS, ADENOMATOUS INTESTINAL. Identifiers: MedGen C2713442, MONDO:0021056, OMIM 175100. Disease mechanism: loss of function.

Submission:

Labcorp Genetics (formerly Invitae), Labcorp
Classification: Pathogenic for Familial adenomatous polyposis 1. Last evaluated: 2025-07-30. Review status: criteria provided, single submitter. Criteria: Invitae Variant Classification Sherloc (09022015). Collection method: clinical testing. Allele origin: germline.
Comment: This sequence change creates a premature translational stop signal (p.Asn1046Metfs*10) in the APC gene. While this is not anticipated to result in nonsense mediated decay, it is expected to disrupt the last 1798 amino acid(s) of the APC protein. This variant is not present in population databases (gnomAD no frequency). This variant has not been reported in the literature in individuals affected with APC-related conditions. ClinVar contains an entry for this variant (Variation ID: 661528). This variant is expected to disrupt the EB1 and HDLG binding sites, which mediate interactions with the cytoskeleton (PMID: 15311282, 17293347). While functional studies have not been performed to directly test the effect on APC protein function, this suggests that disruption of the C-terminal portion of the protein is functionally important. A different truncation (p.Tyr2645Lysfs*14) that lies downstream of this variant has been determined to be pathogenic (PMID: 9824584, 1316610, 27081525, 8381579, 22135120, internal data). This suggests that deletion of this region of the APC protein is causative of disease. For these reasons, this variant has been classified as Pathogenic.

Literature cited by the submitters: PubMed 15311282; PubMed 17293347; PubMed 9824584; PubMed 1316610; PubMed 27081525; PubMed 8381579; PubMed 22135120.